The following is an entry in ClinVar:

ClinVar aggregate classification (germline): Conflicting classifications of pathogenicity. Review status: criteria provided, conflicting classifications (1 of 4 stars). 3 submissions from 3 submitters: Uncertain significance (1); Likely benign (2). Last evaluated 2025-11-09.

Conditions:
Left ventricular noncompaction 8 (LVNC8). Identifiers: Orphanet 154, Orphanet 54260, MedGen C3809288, MONDO:0014152, OMIM 615373.

Allele frequency attached by ClinVar (database versions not stated): gnomAD 0.00003; TOPMed 0.00003; ExAC 0.00004; gnomAD exomes 0.00007.
gnomAD v4.1: 101 of 1,611,622 alleles (0.0063%); highest among the groups gnomAD compares: Middle Eastern, 0.033%; no homozygotes.

Submissions (3):

Labcorp Genetics (formerly Invitae), Labcorp
Classification: Uncertain significance for Left ventricular noncompaction 8. Last evaluated: 2025-11-09. Review status: criteria provided, single submitter. Criteria: Invitae Variant Classification Sherloc (09022015). Collection method: clinical testing. Allele origin: germline.
Comment: This sequence change replaces threonine, which is neutral and polar, with alanine, which is neutral and non-polar, at codon 686 of the PRDM16 protein (p.Thr686Ala). This variant is present in population databases (rs575376153, gnomAD 0.02%). This variant has not been reported in the literature in individuals affected with PRDM16-related conditions. ClinVar contains an entry for this variant (Variation ID: 1020280). An algorithm developed to predict the effect of missense changes on protein structure and function outputs the following: PolyPhen-2: "Benign". The alanine amino acid residue is found in multiple mammalian species, which suggests that this missense change does not adversely affect protein function. In summary, the available evidence is currently insufficient to determine the role of this variant in disease. Therefore, it has been classified as a Variant of Uncertain Significance.

Blueprint Genetics
Classification: Likely benign. Last evaluated: 2023-12-22. Review status: criteria provided, single submitter. Criteria: ACMG Guidelines, 2015. Collection method: clinical testing. Allele origin: germline.

Women's Health and Genetics/Laboratory Corporation of America, LabCorp
Classification: Likely benign. Last evaluated: 2023-08-19. Review status: criteria provided, single submitter. Criteria: LabCorp Variant Classification Summary - May 2015. Collection method: clinical testing. Allele origin: germline.

NM_022114.4(PRDM16):c.2056A>G (p.Thr686Ala)

Gene: PRDM16 (PR/SET domain 16; plus strand). Cytogenetic location: 1p36.32.
Variant type: single nucleotide variant.
Coding change: c.2056A>G on transcript NM_022114.4 (MANE Select); coding-DNA position 2056, A replaced by G.
Protein change: p.Thr686Ala; replaces threonine 686 with alanine.
Molecular consequence: missense variant.
Genome position (GRCh38, 1-based): chr1:3,412,253, A>G. VCF-style: chr1-3412253-A-G. GRCh37 (hg19) VCF-style: chr1-3328817-A-G.
Other names: c.2056A>G, p.Thr686Ala (NM_199454.3); c.2056A>G (NM_022114.3); short protein forms T686A.
Identifiers: ClinVar variation 1020280 (VCV001020280.10), dbSNP rs575376153, ClinGen allele CA544369.